The following is an entry in ClinVar:

GRCh37/hg19 22q11.21(chr22:18916843-21798907)x3

Genes: AIFM3 (AIF family member 3; plus strand), ARVCF (ARVCF delta catenin family member; minus strand), C22orf39 (chromosome 22 open reading frame 39; minus strand), CDC45 (cell division cycle 45; plus strand), CLDN5 (claudin 5; minus strand) and 44 more. Cytogenetic location: 22q11.21.
Variant type: copy number gain.
Change: copy number 3 (three copies instead of two) of chr22:18,916,843-21,798,907 (2.88 Mb, GRCh37 coordinates, 1-based), cytogenetic band 22q11.21.
Identifiers: ClinVar variation 1807702 (VCV001807702.2).

ClinVar aggregate classification (germline): Pathogenic (1 of 4 stars; one submission).

Submission:

Quest Diagnostics Nichols Institute San Juan Capistrano
Classification: Pathogenic. Last evaluated: 2023-03-04. Review status: criteria provided, single submitter. Criteria: ACMG/ClinGen CNV Guidelines, 2019. Collection method: clinical testing. Allele origin: unknown.
Comment: This copy number gain is associated with the proximal (LCR22 A-D) 22q11.2 duplication syndrome (OMIM 608363). De novo and inherited duplications of this locus have been associated with a broad range of features (Wenger et al. Mol Autism. 2016 May 6;7:27. PMID: 27158440). Some carriers have no discernable clinical phenotype. See GeneReviews for additional information and references